The following is an entry in ClinVar:

NM_001369268.1(ACAN):c.1947C>T (p.Gly649=)

Gene: ACAN (aggrecan; plus strand). Cytogenetic location: 15q26.1.
Variant type: single nucleotide variant.
Coding change: c.1947C>T on transcript NM_001369268.1 (MANE Select); coding-DNA position 1947, C replaced by T.
Protein change: p.Gly649=; no amino-acid change (glycine 649 retained).
Molecular consequence: synonymous variant.
Genome position (GRCh38, 1-based): chr15:88,849,652, C>T. VCF-style: chr15-88849652-C-T. GRCh37 (hg19) VCF-style: chr15-89392883-C-T.
Other names: c.1947C>T, p.Gly649= (NM_001135.4, NM_001411096.1, NM_001411097.1 and 1 more transcripts).
Identifiers: ClinVar variation 3019061 (VCV003019061.4), dbSNP rs377391149, ClinGen allele CA7719735.

ClinVar aggregate classification (germline): Uncertain significance. Review status: criteria provided, multiple submitters, no conflicts (2 of 4 stars). 2 submissions from 2 submitters: Uncertain significance (2). Last evaluated 2024-09-23.

Allele frequency attached by ClinVar (database versions not stated): gnomAD exomes 0.00002; ExAC 0.00003; TOPMed 0.00003; gnomAD 0.00005; ESP Exome Variant Server 0.00008.
gnomAD v4.1: 29 of 1,613,502 alleles (0.0018%); highest among the groups gnomAD compares: African/African-American, 0.012%; no homozygotes.

Submissions (2):

Women's Health and Genetics/Laboratory Corporation of America, LabCorp
Classification: Uncertain significance. Last evaluated: 2024-09-23. Review status: criteria provided, single submitter. Criteria: LabCorp Variant Classification Summary - May 2015. Collection method: clinical testing. Allele origin: germline.
Comment: Variant summary: ACAN c.1947C>T alters a conserved nucleotide resulting in a synonymous change. Several computational tools predict a significant impact on normal splicing: Four predict the variant creates a 5' donor site. However, these predictions have yet to be confirmed by functional studies. The variant allele was found at a frequency of 2.4e-05 in 246946 control chromosomes. The available data on variant occurrences in the general population are insufficient to allow any conclusion about variant significance. To our knowledge, no occurrence of c.1947C>T in individuals affected with ACAN-Related Disorders and no experimental evidence demonstrating its impact on protein function have been reported. ClinVar contains an entry for this variant (Variation ID: 3019061). Based on the evidence outlined above, the variant was classified as uncertain significance.

Labcorp Genetics (formerly Invitae), Labcorp
Classification: Uncertain significance. Last evaluated: 2024-08-23. Review status: criteria provided, single submitter. Criteria: Invitae Variant Classification Sherloc (09022015). Collection method: clinical testing. Allele origin: germline.
Comment: This sequence change affects codon 649 of the ACAN mRNA. It is a 'silent' change, meaning that it does not change the encoded amino acid sequence of the ACAN protein. This variant is present in population databases (rs377391149, gnomAD 0.008%). This variant has not been reported in the literature in individuals affected with ACAN-related conditions. Algorithms developed to predict the effect of sequence changes on RNA splicing suggest that this variant may create or strengthen a splice site. In summary, the available evidence is currently insufficient to determine the role of this variant in disease. Therefore, it has been classified as a Variant of Uncertain Significance.